The following is an entry in ClinVar:

ClinVar aggregate classification (germline): Uncertain significance. Review status: criteria provided, multiple submitters, no conflicts (2 of 4 stars). 6 submissions from 6 submitters: Uncertain significance (6). Last evaluated 2025-08-26.

Conditions:
Inborn genetic diseases. Identifiers: MedGen C0950123, MeSH D030342.
Autosomal recessive limb-girdle muscular dystrophy type 2D (LGMDR3). Also called: DUCHENNE-LIKE AUTOSOMAL RECESSIVE MUSCULAR DYSTROPHY, TYPE 2; MUSCULAR DYSTROPHY, LIMB-GIRDLE, AUTOSOMAL RECESSIVE 3; ADHALINOPATHY, PRIMARY. Identifiers: Orphanet 62, MedGen C2936332, MONDO:0011968, OMIM 608099. Disease mechanism: Affects gamma-sarcoglycan and also disrupts the integrity of the entire sarcoglycan complex..

Allele frequency attached by ClinVar (database versions not stated): gnomAD exomes 0.00001 and 0.00003; ExAC 0.00003; TOPMed 0.00003; gnomAD 0.00007.
gnomAD v4.1: 28 of 1,614,008 alleles (0.0017%); highest among the groups gnomAD compares: Admixed American, 0.032%; 1 homozygote.

Submissions (6):

Ambry Genetics
Classification: Uncertain significance for Inborn genetic diseases. Last evaluated: 2025-08-26. Review status: criteria provided, single submitter. Criteria: Ambry Variant Classification Scheme 2023. Collection method: clinical testing. Allele origin: germline.

Myriad Genetics, Inc.
Classification: Uncertain significance for Autosomal recessive limb-girdle muscular dystrophy type 2D. Last evaluated: 2025-08-04. Review status: criteria provided, single submitter. Criteria: Myriad Autosomal Dominant, Autosomal Recessive and X-Linked Classification Criteria (2023). Collection method: clinical testing. Allele origin: unknown.
Comment: NM_000023.2(SGCA):c.766G>A(E256K) is a missense variant classified as a variant of uncertain significance in the context of alpha-sarcoglycanopathy. E256K has been observed in a case with relevant disease (PMID: 39678382). Relevant functional assessments of this variant are not available in the literature. E256K has been observed in referenced population frequency databases. In summary, there is insufficient evidence to classify NM_000023.2(SGCA):c.766G>A(E256K) as pathogenic or benign. Please note: this variant was assessed in the context of healthy population screening.

Revvity Omics, Revvity
Classification: Uncertain significance for Autosomal recessive limb-girdle muscular dystrophy type 2D. Last evaluated: 2024-03-13. Review status: criteria provided, single submitter. Criteria: ACMG Guidelines, 2015. Collection method: clinical testing. Allele origin: germline.

Genome-Nilou Lab
Classification: Uncertain significance for Autosomal recessive limb-girdle muscular dystrophy type 2D. Last evaluated: 2023-02-08. Review status: criteria provided, single submitter. Criteria: ACMG Guidelines, 2015. Collection method: clinical testing. Allele origin: germline.

Labcorp Genetics (formerly Invitae), Labcorp
Classification: Uncertain significance for Autosomal recessive limb-girdle muscular dystrophy type 2D. Last evaluated: 2022-05-29. Review status: criteria provided, single submitter. Criteria: Invitae Variant Classification Sherloc (09022015). Collection method: clinical testing. Allele origin: germline.
Comment: This sequence change replaces glutamic acid, which is acidic and polar, with lysine, which is basic and polar, at codon 256 of the SGCA protein (p.Glu256Lys). This variant is present in population databases (rs746698767, gnomAD 0.02%). This variant has not been reported in the literature in individuals affected with SGCA-related conditions. ClinVar contains an entry for this variant (Variation ID: 500930). Advanced modeling of protein sequence and biophysical properties (such as structural, functional, and spatial information, amino acid conservation, physicochemical variation, residue mobility, and thermodynamic stability) performed at Invitae indicates that this missense variant is not expected to disrupt SGCA protein function. In summary, the available evidence is currently insufficient to determine the role of this variant in disease. Therefore, it has been classified as a Variant of Uncertain Significance.

Eurofins Ntd Llc (ga)
Classification: Uncertain significance. Last evaluated: 2017-03-23. Review status: criteria provided, single submitter. Criteria: EGL Classification Definitions 2015. Collection method: clinical testing. Allele origin: germline. Observed: 1 variant allele, 1 heterozygote.

Literature cited by the submitters: PubMed 39678382 (cited by Myriad Genetics, Inc.).

NM_000023.4(SGCA):c.766G>A (p.Glu256Lys)

Gene: SGCA (sarcoglycan alpha; plus strand). Cytogenetic location: 17q21.33.
Variant type: single nucleotide variant.
Coding change: c.766G>A on transcript NM_000023.4 (MANE Select); coding-DNA position 766, G replaced by A.
Protein change: p.Glu256Lys; replaces glutamic acid 256 with lysine.
Molecular consequence: missense variant. On other transcripts: intron variant (1).
Genome position (GRCh38, 1-based): chr17:50,170,161, G>A. VCF-style: chr17-50170161-G-A. GRCh37 (hg19) VCF-style: chr17-48247522-G-A.
Other names: c.585-479G>A (NM_001135697.3); c.766G>A (NM_000023.2); short protein forms E256K.
Identifiers: ClinVar variation 500930 (VCV000500930.11), dbSNP rs746698767, ClinGen allele CA8643914.